The following is an entry in ClinVar:

NM_000069.3(CACNA1S):c.2253G>C (p.Glu751Asp)

Gene: CACNA1S (calcium voltage-gated channel subunit alpha1 S; minus strand). Cytogenetic location: 1q32.1.
Variant type: single nucleotide variant.
Coding change: c.2253G>C on transcript NM_000069.3 (MANE Select); coding-DNA position 2253, G replaced by C.
Protein change: p.Glu751Asp; replaces glutamic acid 751 with aspartic acid.
Molecular consequence: missense variant.
Genome position (GRCh38, 1-based): chr1:201,070,379, C>G on the plus strand (G>C on the coding strand, the complement: CACNA1S is on the minus strand). VCF-style: chr1-201070379-C-G. GRCh37 (hg19) VCF-style: chr1-201039507-C-G.
Other names: short protein forms E751D.
Identifiers: ClinVar variation 4088249 (VCV004088249.1).
Genomic context (GRCh38, chr1:201,070,379, plus strand): 5'-CACGGCCTTCTCTTTCAGCTGCAGCTCAGCCAGGGGACGTGGTCGGGGGCTCAGCGGGAT[C>G]TCAGGCTCATCTTCCTCGTCATCCCCTGTGGGGAGAGAGAGAGGAATTAGGGGTGTCTTC-3'
Protein context (NP_000060.2, residues 741-761): FPGDDEEDEP[Glu751Asp]IPLSPRPRPL

ClinVar aggregate classification (germline): Uncertain significance (1 of 4 stars; one submission).

gnomAD v4.1: 14 of 1,614,046 alleles (0.00087%); highest among the groups gnomAD compares: Middle Eastern, 0.017%; no homozygotes.

Submission:

GeneDx
Classification: Uncertain significance. Last evaluated: 2025-03-25. Review status: criteria provided, single submitter. Criteria: GeneDx Variant Classification Process June 2021. Collection method: clinical testing. Allele origin: germline. Affected: yes.
Comment: Not observed at significant frequency in large population cohorts (gnomAD); In silico analysis supports that this missense variant has a deleterious effect on protein structure/function; Has not been previously published as pathogenic or benign to our knowledge